The following is an entry in ClinVar:

ClinVar aggregate classification (germline): Uncertain significance (1 of 4 stars; one submission).

Conditions:
Epileptic encephalopathy. Identifiers: MedGen C0543888, HP:0200134.

Submission:

Labcorp Genetics (formerly Invitae), Labcorp
Classification: Uncertain significance for Epileptic encephalopathy. Last evaluated: 2022-07-09. Review status: criteria provided, single submitter. Criteria: Invitae Variant Classification Sherloc (09022015). Collection method: clinical testing. Allele origin: germline.
Comment: This sequence change replaces lysine, which is basic and polar, with asparagine, which is neutral and polar, at codon 333 of the GABBR2 protein (p.Lys333Asn). This variant also falls at the last nucleotide of exon 6, which is part of the consensus splice site for this exon. This variant is not present in population databases (gnomAD no frequency). This variant has not been reported in the literature in individuals affected with GABBR2-related conditions. Algorithms developed to predict the effect of missense changes on protein structure and function are either unavailable or do not agree on the potential impact of this missense change (SIFT: "Deleterious"; PolyPhen-2: "Benign"; Align-GVGD: "Class C0"). Variants that disrupt the consensus splice site are a relatively common cause of aberrant splicing (PMID: 17576681, 9536098). Algorithms developed to predict the effect of sequence changes on RNA splicing suggest that this variant may disrupt the consensus splice site. In summary, the available evidence is currently insufficient to determine the role of this variant in disease. Therefore, it has been classified as a Variant of Uncertain Significance.

Literature cited by the submitters: PubMed 17576681; PubMed 9536098.

NM_005458.8(GABBR2):c.999G>C (p.Lys333Asn)

Gene: GABBR2 (gamma-aminobutyric acid type B receptor subunit 2; minus strand). Cytogenetic location: 9q22.33.
Variant type: single nucleotide variant.
Coding change: c.999G>C on transcript NM_005458.8 (MANE Select); coding-DNA position 999, G replaced by C.
Protein change: p.Lys333Asn; replaces lysine 333 with asparagine.
Molecular consequence: missense variant.
Genome position (GRCh38, 1-based): chr9:98,473,146, C>G on the plus strand (G>C on the coding strand, the complement: GABBR2 is on the minus strand). VCF-style: chr9-98473146-C-G. GRCh37 (hg19) VCF-style: chr9-101235428-C-G.
Other names: short protein forms K333N.
Identifiers: ClinVar variation 2015285 (VCV002015285.4), dbSNP rs2491669936, ClinGen allele CA374351230.
Genomic context (GRCh38, chr9:98,473,146, plus strand): 5'-TCAGACAAGATGATCAAAGGAGGTGGGCCAGAAGGTTGAAATGGGGACCAAGGCACTGAC[C>G]TTTCCTGAGATGGTCTTGATCTGCTTGGAGCTCAGGGGCTCGAAATCCACGCCAATGTAG-3'
Protein context (NP_005449.5, residues 323-343): SSKQIKTISG[Lys333Asn]TPQQYEREYN